The following is an entry in ClinVar:

ClinVar aggregate classification (germline): Uncertain significance. Review status: criteria provided, multiple submitters, no conflicts (2 of 4 stars). 2 submissions from 2 submitters: Uncertain significance (2). Last evaluated 2022-08-31.

Conditions:
Inborn genetic diseases. Identifiers: MedGen C0950123, MeSH D030342.

Allele frequency attached by ClinVar (database versions not stated): TOPMed below 0.00001; ExAC 0.00001; gnomAD exomes 0.00001.

Submissions (2):

Labcorp Genetics (formerly Invitae), Labcorp
Classification: Uncertain significance. Last evaluated: 2022-08-31. Review status: criteria provided, single submitter. Criteria: Invitae Variant Classification Sherloc (09022015). Collection method: clinical testing. Allele origin: germline.
Comment: In summary, the available evidence is currently insufficient to determine the role of this variant in disease. Therefore, it has been classified as a Variant of Uncertain Significance. Algorithms developed to predict the effect of missense changes on protein structure and function are either unavailable or do not agree on the potential impact of this missense change (SIFT: "Not Available"; PolyPhen-2: "Possibly Damaging"; Align-GVGD: "Not Available"). This sequence change replaces proline, which is neutral and non-polar, with leucine, which is neutral and non-polar, at codon 200 of the USH1G protein (p.Pro200Leu). This variant is present in population databases (rs750109903, gnomAD 0.003%). This variant has not been reported in the literature in individuals affected with USH1G-related conditions. ClinVar contains an entry for this variant (Variation ID: 1470629).

Ambry Genetics
Classification: Uncertain significance for Inborn genetic diseases. Last evaluated: 2022-06-10. Review status: criteria provided, single submitter. Criteria: Ambry Variant Classification Scheme 2023. Collection method: clinical testing. Allele origin: germline.

NM_173477.5(USH1G):c.599C>T (p.Pro200Leu)

Gene: USH1G (USH1 protein network component sans; minus strand). Cytogenetic location: 17q25.1.
Variant type: single nucleotide variant.
Coding change: c.599C>T on transcript NM_173477.5 (MANE Select); coding-DNA position 599, C replaced by T.
Protein change: p.Pro200Leu; replaces proline 200 with leucine.
Molecular consequence: missense variant.
Genome position (GRCh38, 1-based): chr17:74,920,237, G>A on the plus strand (C>T on the coding strand, the complement: USH1G is on the minus strand). VCF-style: chr17-74920237-G-A. GRCh37 (hg19) VCF-style: chr17-72916332-G-A.
Other names: c.290C>T, p.Pro97Leu (NM_001282489.3); c.599C>T (NM_173477.2); short protein forms P200L, P97L.
Identifiers: ClinVar variation 1470629 (VCV001470629.9), dbSNP rs750109903, ClinGen allele CA8754037.
Genomic context (GRCh38, chr17:74,920,237, plus strand): 5'-AGCTTCTTCTGCATCTTGGTCTTGCCCCTGGCCGTGCCGTGCAGCGTGGCCTGAGAGTAC[G>A]GCAGGTGGCTGCCCAGCGCCAGATGCTGCAGCCGGCGGCTCAGGGTGCTGGACGTGAGGC-3'
Protein context (NP_775748.2, residues 190-210): LQHLALGSHL[Pro200Leu]YSQATLHGTA